The following is an entry in ClinVar:

ClinVar aggregate classification (germline): Uncertain significance (1 of 4 stars; one submission).

Submission:

GeneDx
Classification: Uncertain significance. Last evaluated: 2026-02-02. Review status: criteria provided, single submitter. Criteria: GeneDx Variant Classification Process June 2021. Collection method: clinical testing. Allele origin: germline.
Comment: Not observed at significant frequency in large population cohorts (gnomAD); In silico analysis supports that this missense variant has a deleterious effect on protein structure/function; Has not been previously published as pathogenic or benign to our knowledge

NM_177438.3(DICER1):c.4127C>A (p.Pro1376His)

Gene: DICER1 (dicer 1, ribonuclease III; minus strand). Cytogenetic location: 14q32.13.
Variant type: single nucleotide variant.
Coding change: c.4127C>A on transcript NM_177438.3 (MANE Select); coding-DNA position 4127, C replaced by A.
Protein change: p.Pro1376His; replaces proline 1376 with histidine.
Molecular consequence: missense variant. On other transcripts: non-coding transcript variant (6).
Genome position (GRCh38, 1-based): chr14:95,099,859, G>T on the plus strand (C>A on the coding strand, the complement: DICER1 is on the minus strand). VCF-style: chr14-95099859-G-T. GRCh37 (hg19) VCF-style: chr14-95566196-G-T.
Other names: c.4127C>A, p.Pro1376His (NM_001195573.1, NM_001271282.3, NM_001291628.2 and 12 more transcripts); c.3845C>A, p.Pro1282His (NM_001395686.1); c.3722C>A, p.Pro1241His (NM_001395687.1, NM_001395688.1, NM_001395689.1 and 2 more transcripts); c.3560C>A, p.Pro1187His (NM_001395691.1); c.2444C>A, p.Pro815His (NM_001395697.1); short protein forms P1187H, P1241H, P1282H, P1376H, P815H.
Identifiers: ClinVar variation 4975539 (VCV004975539.1).
Genomic context (GRCh38, chr14:95,099,859, plus strand): 5'-TTATCTGTGTTGCTTTTGTCTTGATTTACTACATAACCAGGAGGAAGCCAATTCACAGGG[G>T]GATCAAATATTGACACCACCATGCGGCTGGGTAGTCCCTTCTTTTTTCCAAGGCGATACA-3'
Protein context (NP_803187.1, residues 1366-1386): PSRMVVSIFD[Pro1376His]PVNWLPPGYV